The following is an entry in ClinVar:

ClinVar aggregate classification (germline): Uncertain significance. Review status: criteria provided, multiple submitters, no conflicts (2 of 4 stars). 3 submissions from 3 submitters: Uncertain significance (3). Last evaluated 2024-06-09.

Conditions:
Cardiovascular phenotype. Identifiers: MedGen CN230736.
Long QT syndrome (LQTS). Identifiers: MedGen C0023976, MeSH D008133, MONDO:0002442. Disease mechanism: loss of function. Inheritance: Various modes of inheritance.

Allele frequency attached by ClinVar (database versions not stated): ExAC 0.00001; TOPMed 0.00001; gnomAD 0.00002; ESP Exome Variant Server 0.00008.
gnomAD v4.1: 4 of 1,613,986 alleles (0.00025%); highest among the groups gnomAD compares: African/African-American, 0.0027%; no homozygotes.

Submissions (3):

Women's Health and Genetics/Laboratory Corporation of America, LabCorp
Classification: Uncertain significance. Last evaluated: 2024-06-09. Review status: criteria provided, single submitter. Criteria: LabCorp Variant Classification Summary - May 2015. Collection method: clinical testing. Allele origin: germline.

Labcorp Genetics (formerly Invitae), Labcorp
Classification: Uncertain significance for Long QT syndrome. Last evaluated: 2023-02-21. Review status: criteria provided, single submitter. Criteria: Invitae Variant Classification Sherloc (09022015). Collection method: clinical testing. Allele origin: germline.
Comment: In summary, the available evidence is currently insufficient to determine the role of this variant in disease. Therefore, it has been classified as a Variant of Uncertain Significance. Algorithms developed to predict the effect of missense changes on protein structure and function output the following: SIFT: "Not Available"; PolyPhen-2: "Benign"; Align-GVGD: "Not Available". The serine amino acid residue is found in multiple mammalian species, which suggests that this missense change does not adversely affect protein function. ClinVar contains an entry for this variant (Variation ID: 1389136). This variant has not been reported in the literature in individuals affected with ANK2-related conditions. This variant is present in population databases (rs137856530, gnomAD 0.007%). This sequence change replaces proline, which is neutral and non-polar, with serine, which is neutral and polar, at codon 2851 of the ANK2 protein (p.Pro2851Ser).

Ambry Genetics
Classification: Uncertain significance for Cardiovascular phenotype. Last evaluated: 2022-10-02. Review status: criteria provided, single submitter. Criteria: Ambry Variant Classification Scheme 2023. Collection method: clinical testing. Allele origin: germline.
Comment: The p.P2851S variant (also known as c.8551C>T), located in coding exon 38 of the ANK2 gene, results from a C to T substitution at nucleotide position 8551. The proline at codon 2851 is replaced by serine, an amino acid with similar properties. This amino acid position is conserved. In addition, this alteration is predicted to be tolerated by in silico analysis. Since supporting evidence is limited at this time, the clinical significance of this alteration remains unclear.

NM_001148.6(ANK2):c.8551C>T (p.Pro2851Ser)

Gene: ANK2 (ankyrin 2; plus strand). Cytogenetic location: 4q26.
Variant type: single nucleotide variant.
Coding change: c.8551C>T on transcript NM_001148.6 (MANE Select); coding-DNA position 8551, C replaced by T.
Protein change: p.Pro2851Ser; replaces proline 2851 with serine.
Molecular consequence: missense variant. On other transcripts: intron variant (68).
Genome position (GRCh38, 1-based): chr4:113,357,169, C>T. VCF-style: chr4-113357169-C-T. GRCh37 (hg19) VCF-style: chr4-114278325-C-T.
Other names: c.8317C>T, p.Pro2773Ser (NM_001386142.1); c.4951C>T, p.Pro1651Ser (NM_001386166.1); c.8692C>T, p.Pro2898Ser (NM_001386174.1); c.8668C>T, p.Pro2890Ser (NM_001386175.1); c.4412-3654C>T (NM_001386186.2, NM_001386148.2); c.4214-3654C>T (NM_001354269.3); c.4292-3654C>T (NM_001386187.2); c.4253-3654C>T (NM_001386147.1); and 35 more; short protein forms P1651S, P2851S, P2773S, P2890S, P2898S.
Identifiers: ClinVar variation 1389136 (VCV001389136.11), dbSNP rs137856530, ClinGen allele CA3051786.
Genomic context (GRCh38, chr4:113,357,169, plus strand): 5'-AGAGCAGAATCTCCACAAGCAGATTGCCCCAGTGAAAGCTTTTCATCTTCATCCTCTTTG[C>T]CTCATTGTTTGGTATCTGAAGGAAAAGAATTAGATGAAGACATATCTGCCACATCTTCTA-3'
Protein context (NP_001139.3, residues 2841-2861): SESFSSSSSL[Pro2851Ser]HCLVSEGKEL